The following is an entry in ClinVar:

NM_001673.5(ASNS):c.1336C>T (p.His446Tyr)

Genes: ASNS (asparagine synthetase (glutamine-hydrolyzing); minus strand), CZ1P-ASNS (CZ1P-ASNS readthrough; minus strand). Cytogenetic location: 7q21.3.
Variant type: single nucleotide variant.
Coding change: c.1336C>T on transcript NM_001673.5 (MANE Select); coding-DNA position 1336, C replaced by T.
Protein change: p.His446Tyr; replaces histidine 446 with tyrosine.
Molecular consequence: missense variant. On other transcripts: non-coding transcript variant (1).
Genome position (GRCh38, 1-based): chr7:97,853,200, G>A on the plus strand (C>T on the coding strand, the complement: ASNS is on the minus strand). VCF-style: chr7-97853200-G-A. GRCh37 (hg19) VCF-style: chr7-97482512-G-A.
Other names: c.1273C>T, p.His425Tyr (NM_001178075.2); c.1087C>T, p.His363Tyr (NM_001178076.2, NM_001178077.1); c.1336C>T, p.His446Tyr (NM_001352496.2, NM_133436.3, NM_183356.4); short protein forms H425Y, H446Y, H363Y.
Identifiers: ClinVar variation 2167175 (VCV002167175.1), dbSNP rs749209281, ClinGen allele CA4354515.

ClinVar aggregate classification (germline): Uncertain significance (1 of 4 stars; one submission).

Allele frequency attached by ClinVar (database versions not stated): gnomAD exomes below 0.00001; TOPMed 0.00001; ExAC 0.00002; gnomAD 0.00003.
gnomAD v4.1: 11 of 1,606,800 alleles (0.00068%); highest among the groups gnomAD compares: Non-Finnish European, 0.00076%; no homozygotes.

Submission:

Labcorp Genetics (formerly Invitae), Labcorp
Classification: Uncertain significance. Last evaluated: 2022-02-24. Review status: criteria provided, single submitter. Criteria: Invitae Variant Classification Sherloc (09022015). Collection method: clinical testing. Allele origin: germline.
Comment: This sequence change replaces histidine, which is basic and polar, with tyrosine, which is neutral and polar, at codon 446 of the ASNS protein (p.His446Tyr). This variant is present in population databases (rs749209281, gnomAD 0.003%). This variant has not been reported in the literature in individuals affected with ASNS-related conditions. Advanced modeling of protein sequence and biophysical properties (such as structural, functional, and spatial information, amino acid conservation, physicochemical variation, residue mobility, and thermodynamic stability) performed at Invitae indicates that this missense variant is not expected to disrupt ASNS protein function. In summary, the available evidence is currently insufficient to determine the role of this variant in disease. Therefore, it has been classified as a Variant of Uncertain Significance.